The following is an entry in ClinVar:

NM_153689.6(C2orf69):c.246G>A (p.Glu82=)

Gene: C2orf69 (chromosome 2 open reading frame 69; plus strand). Cytogenetic location: 2q33.1.
Variant type: single nucleotide variant.
Coding change: c.246G>A on transcript NM_153689.6 (MANE Select); coding-DNA position 246, G replaced by A.
Protein change: p.Glu82=; no amino-acid change (glutamic acid 82 retained).
Molecular consequence: synonymous variant.
Genome position (GRCh38, 1-based): chr2:199,911,684, G>A. VCF-style: chr2-199911684-G-A. GRCh37 (hg19) VCF-style: chr2-200776407-G-A.
Identifiers: ClinVar variation 2651807 (VCV002651807.24), dbSNP rs762882770, ClinGen allele CA2046286.

ClinVar aggregate classification (germline): Likely benign (1 of 4 stars; one submission).

Allele frequency attached by ClinVar (database versions not stated): gnomAD 0.00001; TOPMed 0.00003; gnomAD exomes 0.00005; ExAC 0.00057.
gnomAD v4.1: 68 of 1,547,082 alleles (0.0044%); highest among the groups gnomAD compares: South Asian, 0.054%; 1 homozygote.

Submission:

CeGaT Center for Human Genetics Tuebingen
Classification: Likely benign. Last evaluated: 2022-11-01. Review status: criteria provided, single submitter. Criteria: CeGaT Center For Human Genetics Tuebingen Variant Classification Criteria Version 2. Collection method: clinical testing. Allele origin: germline. Affected: yes. Observed: 1 variant allele.
Comment: C2orf69: BP4, BP7